The following is an entry in ClinVar:

NM_138422.4(ADAT3):c.1093C>G (p.Pro365Ala)

Genes: ADAT3 (adenosine deaminase tRNA specific 3; plus strand), SCAMP4 (secretory carrier membrane protein 4; plus strand). Cytogenetic location: 19p13.3.
Variant type: single nucleotide variant.
Coding change: c.1093C>G on transcript NM_138422.4 (MANE Select); coding-DNA position 1093, C replaced by G.
Protein change: p.Pro365Ala; replaces proline 365 with alanine.
Molecular consequence: missense variant. On other transcripts: intron variant (3).
Genome position (GRCh38, 1-based): chr19:1,913,140, C>G. VCF-style: chr19-1913140-C-G. GRCh37 (hg19) VCF-style: chr19-1913139-C-G.
Other names: c.1045C>G, p.Pro349Ala (NM_001329533.2); c.-41-1839C>G (NM_079834.4, NM_001329540.2); c.-125-4554C>G (NM_001329539.2); short protein forms P365A, P349A.
Identifiers: ClinVar variation 423175 (VCV000423175.2), dbSNP rs1064796277, ClinGen allele CA16620818.
Genomic context (GRCh38, chr19:1,913,140, plus strand): 5'-CTCAACCACCGCTTCCAGGTGTTCCGCGGGGTGCTGGAGGAGCAGTGCCGCTGGCTGGAC[C>G]CCGACACGTAGGCGCCGCCCTCCTGCCTCCGGACCCTTCCCGCTCCCGGCCGTGGGGCGC-3'
Protein context (NP_612431.2, residues 355-367): VLEEQCRWLD[Pro365Ala]DT

ClinVar aggregate classification (germline): Uncertain significance (1 of 4 stars; one submission).

Submission:

GeneDx
Classification: Uncertain significance. Last evaluated: 2017-02-09. Review status: criteria provided, single submitter. Criteria: GeneDx Variant Classification (06012015). Collection method: clinical testing. Allele origin: germline. Affected: yes.
Comment: The P365A variant in the ADAT3 gene has not been reported previously as a pathogenic variant, nor as a benign variant, to our knowledge. This variant is not observed in large population cohorts (Lek et al., 2016; 1000 Genomes Consortium et al., 2015; Exome Variant Server). The P365A variant is a semi-conservative amino acid substitution, which may impact secondary protein structure as these residues differ in some properties. This substitution occurs at a position that is not conserved. In silico analysis is inconsistent in its predictions as to whether or not the variant is damaging to the protein structure/function. We interpret P365A as a variant of uncertain significance.